The following is an entry in ClinVar:

NM_001164508.2(NEB):c.6873T>G (p.Ile2291Met)

Gene: NEB (nebulin; minus strand). Cytogenetic location: 2q23.3.
Variant type: single nucleotide variant.
Coding change: c.6873T>G on transcript NM_001164508.2 (MANE Select); coding-DNA position 6873, T replaced by G.
Protein change: p.Ile2291Met; replaces isoleucine 2291 with methionine.
Molecular consequence: missense variant.
Genome position (GRCh38, 1-based): chr2:151,654,034, A>C on the plus strand (T>G on the coding strand, the complement: NEB is on the minus strand). VCF-style: chr2-151654034-A-C. GRCh37 (hg19) VCF-style: chr2-152510548-A-C.
Other names: c.6873T>G, p.Ile2291Met (NM_001164507.2, NM_001271208.2, NM_004543.5); short protein forms I2291M.
Identifiers: ClinVar variation 657561 (VCV000657561.10), dbSNP rs1265000238, ClinGen allele CA348793239.

ClinVar aggregate classification (germline): Uncertain significance (1 of 4 stars; one submission).

Conditions:
Nemaline myopathy 2 (NEM2). Also called: Nemaline myopathy 2, autosomal recessive. Identifiers: MedGen C1850569, MONDO:0009725, OMIM 256030.

Allele frequency attached by ClinVar (database versions not stated): gnomAD exomes below 0.00001; TOPMed 0.00002.
gnomAD v4.1: 1 of 1,612,792 alleles (0.000062%); highest among the groups gnomAD compares: Admixed American, 0.0017%; no homozygotes.

Submission:

Labcorp Genetics (formerly Invitae), Labcorp
Classification: Uncertain significance for Nemaline myopathy 2. Last evaluated: 2025-01-06. Review status: criteria provided, single submitter. Criteria: Invitae Variant Classification Sherloc (09022015). Collection method: clinical testing. Allele origin: germline.
Comment: This sequence change replaces isoleucine, which is neutral and non-polar, with methionine, which is neutral and non-polar, at codon 2291 of the NEB protein (p.Ile2291Met). This variant is present in population databases (no rsID available, gnomAD 0.003%). This variant has not been reported in the literature in individuals affected with NEB-related conditions. ClinVar contains an entry for this variant (Variation ID: 657561). Experimental studies and prediction algorithms are not available or were not evaluated, and the functional significance of this variant is currently unknown. In summary, the available evidence is currently insufficient to determine the role of this variant in disease. Therefore, it has been classified as a Variant of Uncertain Significance.